The following is an entry in ClinVar:

NC_000015.10:g.80152701_80152766del

Genes: FAH (fumarylacetoacetate hydrolase; plus strand), LOC130057734 (ATAC-STARR-seq lymphoblastoid silent region 6731; plus strand). Cytogenetic location: 15q25.1.
Variant type: Deletion.
Genome position: GRCh38: chr15:80,152,701-80,152,766. GRCh37 (hg19): chr15:80,445,043-80,445,108.
Identifiers: ClinVar variation 1707388 (VCV001707388.3), dbSNP rs1567112643, ClinGen allele CA619266166.

ClinVar aggregate classification (germline): Likely benign (1 of 4 stars; one submission).

Submission:

GeneDx
Classification: Likely benign. Last evaluated: 2019-04-25. Review status: criteria provided, single submitter. Criteria: GeneDx Variant Classification Process June 2021. Collection method: clinical testing. Allele origin: germline. Affected: yes.
Comment: See Variant Classification Assertion Criteria.